The following is an entry in ClinVar:

NM_024675.4(PALB2):c.1822A>G (p.Ser608Gly)

Gene: PALB2 (partner and localizer of BRCA2; minus strand). Cytogenetic location: 16p12.2.
Variant type: single nucleotide variant.
Coding change: c.1822A>G on transcript NM_024675.4 (MANE Select); coding-DNA position 1822, A replaced by G.
Protein change: p.Ser608Gly; replaces serine 608 with glycine.
Molecular consequence: missense variant.
Genome position (GRCh38, 1-based): chr16:23,630,332, T>C on the plus strand (A>G on the coding strand, the complement: PALB2 is on the minus strand). VCF-style: chr16-23630332-T-C. GRCh37 (hg19) VCF-style: chr16-23641653-T-C.
Other names: short protein forms S608G.
Identifiers: ClinVar variation 858160 (VCV000858160.10), dbSNP rs1966865388, ClinGen allele CA395127966.
Genomic context (GRCh38, chr16:23,630,332, plus strand): 5'-TCACTTTTTCAAGCTTAAGAGGTCCAAAGTCTTCATCAGGTAACTGAAAGTCTGTGATAC[T>C]GAGAAAAGACAGTAGTTGCTTTAAACTCAGCATTCCATCCCTATGAAATGGAGCCGTGAA-3'
Protein context (NP_078951.2, residues 598-618): LSLKQLLSFL[Ser608Gly]ITDFQLPDED

ClinVar aggregate classification (germline): Uncertain significance (1 of 4 stars; one submission).

Conditions:
Familial cancer of breast. Also called: hereditary breast carcinoma; BREAST CANCER, FAMILIAL; Hereditary breast cancer. Identifiers: Orphanet 227535, MedGen C0346153, MONDO:0016419, OMIM 114480. Disease mechanism: loss of function.

Allele frequency attached by ClinVar (database versions not stated): gnomAD exomes below 0.00001.
gnomAD v4.1: 1 of 1,614,222 alleles (0.000062%); highest among the groups gnomAD compares: South Asian, 0.0011%; no homozygotes.

Submission:

Labcorp Genetics (formerly Invitae), Labcorp
Classification: Uncertain significance for Familial cancer of breast. Last evaluated: 2019-02-24. Review status: criteria provided, single submitter. Criteria: Invitae Variant Classification Sherloc (09022015). Collection method: clinical testing. Allele origin: germline.
Comment: In summary, the available evidence is currently insufficient to determine the role of this variant in disease. Therefore, it has been classified as a Variant of Uncertain Significance. Algorithms developed to predict the effect of missense changes on protein structure and function (SIFT, PolyPhen-2, Align-GVGD) all suggest that this variant is likely to be tolerated, but these predictions have not been confirmed by published functional studies and their clinical significance is uncertain. This variant has not been reported in the literature in individuals with PALB2-related conditions. This variant is not present in population databases (ExAC no frequency). This sequence change replaces serine with glycine at codon 608 of the PALB2 protein (p.Ser608Gly). The serine residue is weakly conserved and there is a small physicochemical difference between serine and glycine.